The following is an entry in ClinVar:

ClinVar aggregate classification (germline): Likely benign. Review status: criteria provided, multiple submitters, no conflicts (2 of 4 stars). 2 submissions from 2 submitters: Likely benign (2). Last evaluated 2016-03-28.

Allele frequency attached by ClinVar (database versions not stated): ExAC 0.00008; ESP Exome Variant Server 0.01373.

Submissions (2):

Laboratory for Molecular Medicine, Mass General Brigham Personalized Medicine
Classification: Likely benign. Last evaluated: 2016-03-28. Review status: criteria provided, single submitter. Criteria: LMM Criteria. Collection method: clinical testing. Allele origin: germline.
Comment: Variant identified in a genome or exome case(s) and assessed due to predicted null impact of the variant or pathogenic assertions in the literature or databases. Disclaimer: This variant has not undergone full assessment. The following are preliminary notes: Frequency

Breakthrough Genomics
Classification: Likely benign. Review status: criteria provided, single submitter. Criteria: ACMG Guidelines, 2015. Collection method: not provided. Allele origin: germline. Inheritance: Autosomal dominant inheritance. Affected: yes.

NM_002458.3(MUC5B):c.14491G>A (p.Ala4831Thr)

Gene: MUC5B (mucin 5B, oligomeric mucus/gel-forming; plus strand). Cytogenetic location: 11p15.5.
Variant type: single nucleotide variant.
Coding change: c.14491G>A on transcript NM_002458.3 (MANE Select); coding-DNA position 14491, G replaced by A.
Protein change: p.Ala4831Thr; replaces alanine 4831 with threonine.
Molecular consequence: missense variant.
Genome position (GRCh38, 1-based): chr11:1,251,371, G>A. VCF-style: chr11-1251371-G-A. GRCh37 (hg19) VCF-style: chr11-1272601-G-A.
Other names: short protein forms A4831T.
Identifiers: ClinVar variation 403195 (VCV000403195.5), dbSNP rs187205469, ClinGen allele CA5808695.